The following is an entry in ClinVar:

NM_000179.3(MSH6):c.931A>C (p.Lys311Gln)

Gene: MSH6 (mutS homolog 6; plus strand). Cytogenetic location: 2p16.3.
Variant type: single nucleotide variant.
Coding change: c.931A>C on transcript NM_000179.3 (MANE Select); coding-DNA position 931, A replaced by C.
Protein change: p.Lys311Gln; replaces lysine 311 with glutamine.
Molecular consequence: missense variant.
Genome position (GRCh38, 1-based): chr2:47,798,914, A>C. VCF-style: chr2-47798914-A-C. GRCh37 (hg19) VCF-style: chr2-48026053-A-C.
Other names: c.541A>C, p.Lys181Gln (NM_001281492.2); c.25A>C, p.Lys9Gln (NM_001281493.2, NM_001281494.2); short protein forms K311Q, K9Q, K181Q.
Identifiers: ClinVar variation 485880 (VCV000485880.7), dbSNP rs1323987464, ClinGen allele CA346740753.

ClinVar aggregate classification (germline): Uncertain significance. Review status: criteria provided, multiple submitters, no conflicts (2 of 4 stars). 2 submissions from 2 submitters: Uncertain significance (2). Last evaluated 2023-05-20.

Conditions:
Hereditary nonpolyposis colorectal neoplasms. Identifiers: MedGen C0009405, MeSH D003123.
Hereditary cancer-predisposing syndrome. Also called: Tumor predisposition; Hereditary Cancer Syndrome; Hereditary neoplastic syndrome; Neoplastic Syndromes, Hereditary. Identifiers: Orphanet 140162, MedGen C0027672, MeSH D009386, MONDO:0015356.

Submissions (2):

Labcorp Genetics (formerly Invitae), Labcorp
Classification: Uncertain significance for Hereditary nonpolyposis colorectal neoplasms. Last evaluated: 2023-05-20. Review status: criteria provided, single submitter. Criteria: Invitae Variant Classification Sherloc (09022015). Collection method: clinical testing. Allele origin: germline.
Comment: In summary, the available evidence is currently insufficient to determine the role of this variant in disease. Therefore, it has been classified as a Variant of Uncertain Significance. Advanced modeling of protein sequence and biophysical properties (such as structural, functional, and spatial information, amino acid conservation, physicochemical variation, residue mobility, and thermodynamic stability) performed at Invitae indicates that this missense variant is not expected to disrupt MSH6 protein function. ClinVar contains an entry for this variant (Variation ID: 485880). This variant has not been reported in the literature in individuals affected with MSH6-related conditions. This variant is not present in population databases (gnomAD no frequency). This sequence change replaces lysine, which is basic and polar, with glutamine, which is neutral and polar, at codon 311 of the MSH6 protein (p.Lys311Gln).

Ambry Genetics
Classification: Uncertain significance for Hereditary cancer-predisposing syndrome. Last evaluated: 2019-06-28. Review status: criteria provided, single submitter. Criteria: Ambry Variant Classification Scheme 2023. Collection method: clinical testing. Allele origin: germline.
Comment: The p.K311Q variant (also known as c.931A>C), located in coding exon 4 of the MSH6 gene, results from an A to C substitution at nucleotide position 931. The lysine at codon 311 is replaced by glutamine, an amino acid with similar properties. This amino acid position is well conserved in available vertebrate species. In addition, this alteration is predicted to be tolerated by in silico analysis. Since supporting evidence is limited at this time, the clinical significance of this alteration remains unclear.